The following is an entry in ClinVar:

NM_004168.4(SDHA):c.990C>T (p.Tyr330=)

Gene: SDHA (succinate dehydrogenase complex flavoprotein subunit A; plus strand). Cytogenetic location: 5p15.33.
Variant type: single nucleotide variant.
Coding change: c.990C>T on transcript NM_004168.4 (MANE Select); coding-DNA position 990, C replaced by T.
Protein change: p.Tyr330=; no amino-acid change (tyrosine 330 retained).
Molecular consequence: synonymous variant.
Genome position (GRCh38, 1-based): chr5:233,571, C>T. VCF-style: chr5-233571-C-T. GRCh37 (hg19) VCF-style: chr5-233686-C-T.
Other names: c.846C>T, p.Tyr282= (NM_001294332.2); c.990C>T, p.Tyr330= (NM_001330758.2).
Identifiers: ClinVar variation 472423 (VCV000472423.15), dbSNP rs370547766, ClinGen allele CA3173057.

ClinVar aggregate classification (germline): Benign/Likely benign. Review status: criteria provided, multiple submitters, no conflicts (2 of 4 stars). 3 submissions from 3 submitters: Benign (1); Likely benign (2). Last evaluated 2026-01-19.

Conditions:
Pheochromocytoma/paraganglioma syndrome 5. Also called: Paragangliomas 5; SDHA-Related Hereditary Paraganglioma-Pheochromocytoma Syndrome. Identifiers: Orphanet 29072, MedGen C3279992, MONDO:0013602, OMIM 614165.
Mitochondrial complex II deficiency, nuclear type 1. Also called: SUCCINATE CoQ REDUCTASE DEFICIENCY. Identifiers: Orphanet 3208, MedGen C5700310, MONDO:0100294, OMIM 252011.
Hereditary cancer-predisposing syndrome. Also called: Neoplastic Syndromes, Hereditary; Hereditary Cancer Syndrome; Hereditary neoplastic syndrome; Tumor predisposition. Identifiers: Orphanet 140162, MedGen C0027672, MeSH D009386, MONDO:0015356.

Allele frequency attached by ClinVar (database versions not stated): gnomAD 0.00001; gnomAD exomes 0.00001; ExAC 0.00002; ESP Exome Variant Server 0.00008.
gnomAD v4.1: 9 of 1,614,014 alleles (0.00056%); highest among the groups gnomAD compares: East Asian, 0.0045%; no homozygotes.

Submissions (3):

Labcorp Genetics (formerly Invitae), Labcorp
Classification: Likely benign for Pheochromocytoma/paraganglioma syndrome 5; Mitochondrial complex II deficiency, nuclear type 1. Last evaluated: 2026-01-19. Review status: criteria provided, single submitter. Criteria: Invitae Variant Classification Sherloc (09022015). Collection method: clinical testing. Allele origin: germline.

Myriad Genetics, Inc.
Classification: Benign for Pheochromocytoma/paraganglioma syndrome 5. Last evaluated: 2025-03-07. Review status: criteria provided, single submitter. Criteria: Myriad Autosomal Dominant, Autosomal Recessive and X-Linked Classification Criteria (2023). Collection method: clinical testing. Allele origin: unknown.
Comment: This variant is considered benign. This variant is a silent/synonymous amino acid change and it is not expected to impact splicing.

Ambry Genetics
Classification: Likely benign for Hereditary cancer-predisposing syndrome. Last evaluated: 2020-05-26. Review status: criteria provided, single submitter. Criteria: Ambry Variant Classification Scheme 2023. Collection method: clinical testing. Allele origin: germline.